The following is an entry in ClinVar:

NM_001111125.3(IQSEC2):c.2298G>A (p.Lys766=)

Gene: IQSEC2 (IQ motif and Sec7 domain ArfGEF 2; minus strand). Cytogenetic location: Xp11.22.
Variant type: single nucleotide variant.
Coding change: c.2298G>A on transcript NM_001111125.3 (MANE Select); coding-DNA position 2298, G replaced by A.
Protein change: p.Lys766=; no amino-acid change (lysine 766 retained).
Molecular consequence: synonymous variant.
Genome position (GRCh38, 1-based): chrX:53,248,882, C>T on the plus strand (G>A on the coding strand, the complement: IQSEC2 is on the minus strand). VCF-style: chrX-53248882-C-T. GRCh37 (hg19) VCF-style: chrX-53278064-C-T.
Other names: c.2298G>A (NM_001111125.2); c.2298G>A, p.Lys766= (NM_001410736.1); c.1683G>A, p.Lys561= (NM_015075.2).
Identifiers: ClinVar variation 2789222 (VCV002789222.4), dbSNP rs2519788045, ClinGen allele CA516428982.

ClinVar aggregate classification (germline): Conflicting classifications of pathogenicity. Review status: criteria provided, conflicting classifications (1 of 4 stars). 2 submissions from 2 submitters: Uncertain significance (1); Likely benign (1). Last evaluated 2025-05-01.

Conditions:
Intellectual developmental disorder, X-linked 1. Also called: Atkin Flaitz Patil Smith syndrome; Intellectual disability, X-linked 1; MENTAL RETARDATION, X-LINKED 18; MENTAL RETARDATION, X-LINKED 78. Identifiers: Orphanet 777, MedGen C2931498, MONDO:0010656, OMIM 309530.
Inborn genetic diseases. Identifiers: MedGen C0950123, MeSH D030342.

Allele frequency attached by ClinVar (database versions not stated): gnomAD exomes below 0.00001.
gnomAD v4.1: 1 of 1,207,696 alleles (0.000083%); highest among the groups gnomAD compares: Non-Finnish European, 0.00011%; no homozygotes.

Submissions (2):

Ambry Genetics
Classification: Likely benign for Inborn genetic diseases. Last evaluated: 2025-05-01. Review status: criteria provided, single submitter. Criteria: Ambry Variant Classification Scheme 2023. Collection method: clinical testing. Allele origin: germline.

Labcorp Genetics (formerly Invitae), Labcorp
Classification: Uncertain significance for Intellectual developmental disorder, X-linked 1. Last evaluated: 2024-12-12. Review status: criteria provided, single submitter. Criteria: Invitae Variant Classification Sherloc (09022015). Collection method: clinical testing. Allele origin: germline.
Comment: This sequence change affects codon 766 of the IQSEC2 mRNA. It is a 'silent' change, meaning that it does not change the encoded amino acid sequence of the IQSEC2 protein. It affects a nucleotide within the consensus splice site. This variant is not present in population databases (gnomAD no frequency). This variant has not been reported in the literature in individuals affected with IQSEC2-related conditions. ClinVar contains an entry for this variant (Variation ID: 2789222). Algorithms developed to predict the effect of sequence changes on RNA splicing suggest that this variant is not likely to affect RNA splicing. In summary, the available evidence is currently insufficient to determine the role of this variant in disease. Therefore, it has been classified as a Variant of Uncertain Significance.